The following is an entry in ClinVar:

NM_004360.5(CDH1):c.1073C>T (p.Thr358Ile)

Gene: CDH1 (cadherin 1; plus strand). Cytogenetic location: 16q22.1.
Variant type: single nucleotide variant.
Coding change: c.1073C>T on transcript NM_004360.5 (MANE Select); coding-DNA position 1073, C replaced by T.
Protein change: p.Thr358Ile; replaces threonine 358 with isoleucine.
Molecular consequence: missense variant. On other transcripts: 5 prime UTR variant (2).
Genome position (GRCh38, 1-based): chr16:68,812,199, C>T. VCF-style: chr16-68812199-C-T. GRCh37 (hg19) VCF-style: chr16-68846102-C-T.
Other names: c.1073C>T (LRG_301t1); c.1073C>T, p.Thr358Ile (NM_001317184.2); c.-543C>T (NM_001317185.2); c.-747C>T (NM_001317186.2); short protein forms T358I.
Identifiers: ClinVar variation 483274 (VCV000483274.18), dbSNP rs1191901557, ClinGen allele CA396460050.

ClinVar aggregate classification (germline): Uncertain significance. Review status: criteria provided, multiple submitters, no conflicts (2 of 4 stars). 3 submissions from 3 submitters: Uncertain significance (3). Last evaluated 2025-11-09.

Conditions:
Hereditary cancer-predisposing syndrome. Also called: Hereditary neoplastic syndrome; Neoplastic Syndromes, Hereditary; Tumor predisposition; Hereditary Cancer Syndrome. Identifiers: Orphanet 140162, MedGen C0027672, MeSH D009386, MONDO:0015356.
Hereditary diffuse gastric adenocarcinoma (HDGC). Also called: DIFFUSE GASTRIC AND LOBULAR BREAST CANCER SYNDROME. Identifiers: Orphanet 26106, MedGen C1708349, MONDO:0007648, OMIM 137215.

Allele frequency attached by ClinVar (database versions not stated): gnomAD 0.00001; TOPMed 0.00001.
gnomAD v4.1: 3 of 1,614,034 alleles (0.00019%); highest among the groups gnomAD compares: Non-Finnish European, 0.00017%; no homozygotes.

Submissions (3):

Labcorp Genetics (formerly Invitae), Labcorp
Classification: Uncertain significance for Hereditary diffuse gastric adenocarcinoma. Last evaluated: 2025-11-09. Review status: criteria provided, single submitter. Criteria: Invitae Variant Classification Sherloc (09022015). Collection method: clinical testing. Allele origin: germline.
Comment: This sequence change replaces threonine, which is neutral and polar, with isoleucine, which is neutral and non-polar, at codon 358 of the CDH1 protein (p.Thr358Ile). This variant is not present in population databases (gnomAD no frequency). This variant has not been reported in the literature in individuals affected with CDH1-related conditions. ClinVar contains an entry for this variant (Variation ID: 483274). An algorithm developed to predict the effect of missense changes on protein structure and function (PolyPhen-2) suggests that this variant is likely to be tolerated. In summary, the available evidence is currently insufficient to determine the role of this variant in disease. Therefore, it has been classified as a Variant of Uncertain Significance.

Color Diagnostics, LLC DBA Color Health
Classification: Uncertain significance for Hereditary cancer-predisposing syndrome. Last evaluated: 2025-08-05. Review status: criteria provided, single submitter. Criteria: ACMG Guidelines, 2015. Collection method: clinical testing. Allele origin: germline.
Comment: This missense variant replaces threonine with isoleucine at codon 358 of the CDH1 protein. Computational prediction tool suggests that this variant may not impact protein structure and function. To our knowledge, functional studies have not been performed for this variant. This variant has not been reported in individuals affected with hereditary cancer in the literature. This variant has been detected in 1 individual older than age 70 years who has never had cancer (FLOSSIES database). This variant has not been identified in the general population by the Genome Aggregation Database (gnomAD). The available evidence is insufficient to determine the role of this variant in disease conclusively. Therefore, this variant is classified as a Variant of Uncertain Significance.

Ambry Genetics
Classification: Uncertain significance for Hereditary cancer-predisposing syndrome. Last evaluated: 2024-09-05. Review status: criteria provided, single submitter. Criteria: Ambry Variant Classification Scheme 2023. Collection method: clinical testing. Allele origin: germline.
Comment: The p.T358I variant (also known as c.1073C>T), located in coding exon 8 of the CDH1 gene, results from a C to T substitution at nucleotide position 1073. The threonine at codon 358 is replaced by isoleucine, an amino acid with similar properties. This amino acid position is not well conserved in available vertebrate species. In addition, this alteration is predicted to be tolerated by in silico analysis. Since supporting evidence is limited at this time, the clinical significance of this alteration remains unclear.